The following is an entry in ClinVar:

NM_000426.4(LAMA2):c.1011del (p.Thr339fs)

Gene: LAMA2 (laminin subunit alpha 2; plus strand). Cytogenetic location: 6q22.33.
Variant type: Deletion.
Coding change: c.1011del on transcript NM_000426.4 (MANE Select); coding-DNA position 1011, one base deleted (T; older notation c.1011delT).
Protein change: p.Thr339fs; shifts the reading frame from threonine 339.
Molecular consequence: frameshift variant.
Genome position (GRCh38, 1-based): chr6:129,149,080, T deleted. VCF-style (leftmost placement, unchanged base first): chr6-129149079-CT-C. GRCh37 (hg19) VCF-style: chr6-129470224-CT-C.
Other names: c.1011del, p.Thr339fs (NM_001079823.2); short protein forms T339fs.
Identifiers: ClinVar variation 1725611 (VCV001725611.3), dbSNP rs2482605715, ClinGen allele CA2580074920.

ClinVar aggregate classification (germline): Likely pathogenic (1 of 4 stars; one submission).

Conditions:
LAMA2-related muscular dystrophy (LAMA2-RD). Also called: Laminin alpha 2-related dystrophy. Identifiers: MedGen C5679788, MONDO:0100228.

Submission:

Myriad Genetics, Inc.
Classification: Likely pathogenic for LAMA2-related muscular dystrophy. Last evaluated: 2021-12-04. Review status: criteria provided, single submitter. Criteria: Myriad Autosomal Dominant, Autosomal Recessive and X-Linked Classification Criteria (2023). Collection method: clinical testing. Allele origin: unknown.
Comment: NM_000426.3(LAMA2):c.1011delT(T339Lfs*26) is expected to be pathogenic in the context of muscular dystrophy, LAMA2-related. This variant is predicted to lead to an abnormal or absent protein product due to the creation of a premature termination codon in LAMA2, a gene where loss-of-function variants are known to be pathogenic. Please note: this variant was assessed in the context of healthy population screening.